The following is an entry in ClinVar:

ClinVar aggregate classification (germline): Conflicting classifications of pathogenicity. Review status: criteria provided, conflicting classifications (1 of 4 stars). 2 submissions from 2 submitters: Likely pathogenic (1); Uncertain significance (1). Last evaluated 2023-07-30.

Conditions:
Tay-Sachs disease (TSD). Also called: HEXA Disorders; HEXA DEFICIENCY; GM2 gangliosidosis, type 1; Hexosaminidase alpha-subunit deficiency (variant B); Sphingolipidosis, Tay-Sachs; Hexosaminidase A Deficiency. Identifiers: Orphanet 845, MedGen C0039373, MONDO:0010100, OMIM 272800.

Submissions (2):

Labcorp Genetics (formerly Invitae), Labcorp
Classification: Likely pathogenic for Tay-Sachs disease. Last evaluated: 2023-07-30. Review status: criteria provided, single submitter. Criteria: Invitae Variant Classification Sherloc (09022015). Collection method: clinical testing. Allele origin: germline.
Comment: In summary, the currently available evidence indicates that the variant is pathogenic, but additional data are needed to prove that conclusively. Therefore, this variant has been classified as Likely Pathogenic. This variant disrupts the p.Asn332 amino acid residue in HEXA. Other variant(s) that disrupt this residue have been determined to be pathogenic (Invitae). This suggests that this residue is clinically significant, and that variants that disrupt this residue are likely to be disease-causing. Advanced modeling of protein sequence and biophysical properties (such as structural, functional, and spatial information, amino acid conservation, physicochemical variation, residue mobility, and thermodynamic stability) performed at Invitae indicates that this missense variant is expected to disrupt HEXA protein function. This variant has not been reported in the literature in individuals affected with HEXA-related conditions. This variant is not present in population databases (gnomAD no frequency). This sequence change replaces asparagine, which is neutral and polar, with lysine, which is basic and polar, at codon 332 of the HEXA protein (p.Asn332Lys).

Neuberg Centre For Genomic Medicine, NCGM
Classification: Uncertain significance for Tay-Sachs disease. Review status: criteria provided, single submitter. Criteria: ACMG Guidelines, 2015. Collection method: clinical testing. Allele origin: germline. Inheritance: Autosomal recessive inheritance. Affected: yes.
Comment: The missense variant c.996C>A p.Asn332Lys in the HEXA gene has not been reported previously as a pathogenic variant nor as a benign variant, to our knowledge. This variant is novel not in any individuals in gnomAD Exomes and 1000 Genomes. The amino acid Asparagine at position 332 is changed to a Lysine changing protein sequence and it might alter its composition and physico-chemical properties. The variant is predicted as damaging by SIFT. The amino acid change p.Asn332Lys in HEXA is predicted as conserved by GERP++ and PhyloP across 100 vertebrates. For these reasons, this variant has been classified as Uncertain Significance.

NM_000520.6(HEXA):c.996C>A (p.Asn332Lys)

Gene: HEXA (hexosaminidase subunit alpha; minus strand). Cytogenetic location: 15q23.
Variant type: single nucleotide variant.
Coding change: c.996C>A on transcript NM_000520.6 (MANE Select); coding-DNA position 996, C replaced by A.
Protein change: p.Asn332Lys; replaces asparagine 332 with lysine.
Molecular consequence: missense variant. On other transcripts: non-coding transcript variant (1).
Genome position (GRCh38, 1-based): chr15:72,348,125, G>T on the plus strand (C>A on the coding strand, the complement: HEXA is on the minus strand). VCF-style: chr15-72348125-G-T. GRCh37 (hg19) VCF-style: chr15-72640466-G-T.
Other names: c.1029C>A, p.Asn343Lys (NM_001318825.2); short protein forms N343K, N332K.
Identifiers: ClinVar variation 2748492 (VCV002748492.5), dbSNP rs2542520592, ClinGen allele CA393062001.
Genomic context (GRCh38, chr15:72,348,125, plus strand): 5'-CTCCAGCTGCTTGAAGTCCTCACCGAAGCCTTTCTTCCTCATAAAGTCCTGGATCTCTGG[G>T]TTGGACTTCCTGAATCCCAAGAGAAAATGAAGATTAATCTTTCAACATCCTGAAAGCCTA-3'
Protein context (NP_000511.2, residues 322-342): DEVDFTCWKS[Asn332Lys]PEIQDFMRKK